The following is an entry in ClinVar:

NM_182961.4(SYNE1):c.4788+230C>T

Gene: SYNE1 (spectrin repeat containing nuclear envelope protein 1; minus strand). Cytogenetic location: 6q25.2.
Variant type: single nucleotide variant.
Coding change: c.4788+230C>T on transcript NM_182961.4 (MANE Select); 230 bases into the intron after coding-DNA position 4788, C replaced by T.
Molecular consequence: intron variant.
Genome position (GRCh38, 1-based): chr6:152,429,882, G>A on the plus strand (C>T on the coding strand, the complement: SYNE1 is on the minus strand). VCF-style: chr6-152429882-G-A. GRCh37 (hg19) VCF-style: chr6-152751017-G-A.
Other names: c.4809+230C>T (NM_033071.5).
Identifiers: ClinVar variation 670638 (VCV000670638.1), dbSNP rs548400, ClinGen allele CA150218902.

ClinVar aggregate classification (germline): Benign (1 of 4 stars; one submission).

Allele frequency attached by ClinVar (database versions not stated): gnomAD 0.36063 and 0.37038; TOPMed 0.36896; 1000 Genomes Project 30x 0.44269; 1000 Genomes Project 0.45088.
gnomAD v4.1: 56,243 of 151,950 alleles (37%); highest among the groups gnomAD compares: East Asian, 75%; 10,874 homozygotes.

Submission:

GeneDx
Classification: Benign. Last evaluated: 2018-06-14. Review status: criteria provided, single submitter. Criteria: GeneDx Variant Classification (06012015). Collection method: clinical testing. Allele origin: germline. Affected: yes.
Comment: This variant is considered likely benign or benign based on one or more of the following criteria: it is a conservative change, it occurs at a poorly conserved position in the protein, it is predicted to be benign by multiple in silico algorithms, and/or has population frequency not consistent with disease.